The following is an entry in ClinVar:

NM_000179.3(MSH6):c.2341C>T (p.Pro781Ser)

Gene: MSH6 (mutS homolog 6; plus strand). Cytogenetic location: 2p16.3.
Variant type: single nucleotide variant.
Coding change: c.2341C>T on transcript NM_000179.3 (MANE Select); coding-DNA position 2341, C replaced by T.
Protein change: p.Pro781Ser; replaces proline 781 with serine.
Molecular consequence: missense variant.
Genome position (GRCh38, 1-based): chr2:47,800,324, C>T. VCF-style: chr2-47800324-C-T. GRCh37 (hg19) VCF-style: chr2-48027463-C-T.
Other names: c.1951C>T, p.Pro651Ser (NM_001281492.2); c.1435C>T, p.Pro479Ser (NM_001281493.2, NM_001281494.2); short protein forms P781S, P651S, P479S.
Identifiers: ClinVar variation 1789871 (VCV001789871.6), dbSNP rs587779235, ClinGen allele CA010084.
Genomic context (GRCh38, chr2:47,800,324, plus strand): 5'-AGGGTTGATACTTGCCATACTCCTTTTGGTAAGCGGCTCCTAAAGCAATGGCTTTGTGCC[C>T]CACTCTGTAACCATTATGCTATTAATGATCGTCTAGATGCCATAGAAGACCTCATGGTTG-3'
Protein context (NP_000170.1, residues 771-791): KRLLKQWLCA[Pro781Ser]LCNHYAINDR

ClinVar aggregate classification (germline): Pathogenic/Likely pathogenic. Review status: criteria provided, multiple submitters, no conflicts (2 of 4 stars). 2 submissions from 2 submitters: Pathogenic (1); Likely pathogenic (1). Last evaluated 2025-05-28.

Conditions:
Hereditary nonpolyposis colorectal neoplasms. Identifiers: MedGen C0009405, MeSH D003123.
Hereditary cancer-predisposing syndrome. Also called: Hereditary Cancer Syndrome; Hereditary neoplastic syndrome; Tumor predisposition; Neoplastic Syndromes, Hereditary. Identifiers: Orphanet 140162, MedGen C0027672, MeSH D009386, MONDO:0015356.

Submissions (2):

Ambry Genetics
Classification: Likely pathogenic for Hereditary cancer-predisposing syndrome. Last evaluated: 2025-05-28. Review status: criteria provided, single submitter. Criteria: Ambry Variant Classification Scheme 2023. Collection method: clinical testing. Allele origin: germline.
Comment: The p.P781S variant (also known as c.2341C>T), located in coding exon 4 of the MSH6 gene, results from a C to T substitution at nucleotide position 2341. The proline at codon 781 is replaced by serine, an amino acid with similar properties. This variant has been identified in a proband(s) whose reportedly synchronous Lynch syndrome-associated tumors demonstrated microsatellite instability and loss of MSH6 expression by immunohistochemistry (Ambry internal data). This amino acid position is highly conserved in available vertebrate species. This variant is considered to be rare based on population cohorts in the Genome Aggregation Database (gnomAD). In addition, this alteration is predicted to be deleterious by in silico analysis. Based on the majority of available evidence to date, this variant is likely to be pathogenic.

Labcorp Genetics (formerly Invitae), Labcorp
Classification: Pathogenic for Hereditary nonpolyposis colorectal neoplasms. Last evaluated: 2022-12-20. Review status: criteria provided, single submitter. Criteria: Invitae Variant Classification Sherloc (09022015). Collection method: clinical testing. Allele origin: germline.
Comment: This sequence change replaces proline, which is neutral and non-polar, with serine, which is neutral and polar, at codon 781 of the MSH6 protein (p.Pro781Ser). This variant is not present in population databases (gnomAD no frequency). This missense change has been observed in individuals with Lynch syndrome (PMID: 27273229; Invitae). ClinVar contains an entry for this variant (Variation ID: 1789871). Advanced modeling of protein sequence and biophysical properties (such as structural, functional, and spatial information, amino acid conservation, physicochemical variation, residue mobility, and thermodynamic stability) performed at Invitae indicates that this missense variant is expected to disrupt MSH6 protein function. This variant disrupts the p.Pro781 amino acid residue in MSH6. Other variant(s) that disrupt this residue have been determined to be pathogenic (PMID: 30374176; Invitae). This suggests that this residue is clinically significant, and that variants that disrupt this residue are likely to be disease-causing. For these reasons, this variant has been classified as Pathogenic.

Literature cited by the submitters: PubMed 22949379 (cited by Ambry Genetics); PubMed 27273229 (cited by Ambry Genetics and Labcorp Genetics (formerly Invitae), Labcorp); PubMed 32849802 (cited by Ambry Genetics); PubMed 30374176 (cited by Labcorp Genetics (formerly Invitae), Labcorp).